The following is an entry in ClinVar:

NM_014362.4(HIBCH):c.36-2A>T

Gene: HIBCH (3-hydroxyisobutyryl-CoA hydrolase; minus strand). Cytogenetic location: 2q32.2.
Variant type: single nucleotide variant.
Coding change: c.36-2A>T on transcript NM_014362.4 (MANE Select); the canonical splice acceptor site of the intron before coding-DNA position 36, A replaced by T.
Molecular consequence: splice acceptor variant.
Genome position (GRCh38, 1-based): chr2:190,310,798, T>A on the plus strand (A>T on the coding strand, the complement: HIBCH is on the minus strand). VCF-style: chr2-190310798-T-A. GRCh37 (hg19) VCF-style: chr2-191175524-T-A.
Other names: c.36-2A>T (NM_198047.3).
Identifiers: ClinVar variation 5006183 (VCV005006183.2).

ClinVar aggregate classification (germline): Likely pathogenic (1 of 4 stars; one submission).

Conditions:
3-hydroxyisobutyryl-CoA hydrolase deficiency. Also called: Reduced circulating 3-hydroxyisobutyryl-CoA hydrolase activity; Deficiency of 3-hydroxyisobutyryl CoA hydrolase; VALINE METABOLIC DEFECT; HIBCH DEFICIENCY; METHACRYLIC ACID TOXICITY; METHACRYLIC ACIDURIA. Identifiers: Orphanet 88639, MedGen C0342738, MONDO:0009603, OMIM 250620, HP:6000215.

Submission:

Juno Genomics, Hangzhou Juno Genomics, Inc
Classification: Likely pathogenic for 3-hydroxyisobutyryl-CoA hydrolase deficiency. Review status: criteria provided, single submitter. Criteria: ACMG Guidelines, 2015. Collection method: clinical testing. Allele origin: germline.
Comment: Null variant in a gene where loss of function (LOF) is a known mechanism of disease.;Absent from controls (or at extremely low frequency if recessive) in Genome Aggregation Database.